The following is an entry in ClinVar:

NM_133497.4(KCNV2):c.959G>A (p.Arg320His)

Gene: KCNV2 (potassium voltage-gated channel modifier subfamily V member 2; plus strand). Cytogenetic location: 9p24.2.
Variant type: single nucleotide variant.
Coding change: c.959G>A on transcript NM_133497.4 (MANE Select); coding-DNA position 959, G replaced by A.
Protein change: p.Arg320His; replaces arginine 320 with histidine.
Molecular consequence: missense variant.
Genome position (GRCh38, 1-based): chr9:2,718,698, G>A. VCF-style: chr9-2718698-G-A. GRCh37 (hg19) VCF-style: chr9-2718698-G-A.
Other names: short protein forms R320H.
Identifiers: ClinVar variation 1517740 (VCV001517740.6), dbSNP rs1369674746, ClinGen allele CA372800320.
Genomic context (GRCh38, chr9:2,718,698, plus strand): 5'-CCATCCTGGAGCACGTGGAGATGCTGTGCATGGGCTTCTTCACGCTCGAGTACCTGCTGC[G>A]CCTAGCCTCCACGCCCGACCTGAGGCGCTTCGCGCGCAGCGCCCTCAACCTGGTGGACCT-3'
Protein context (NP_598004.1, residues 310-330): MGFFTLEYLL[Arg320His]LASTPDLRRF

ClinVar aggregate classification (germline): Likely pathogenic (1 of 4 stars; one submission).

gnomAD v4.1: 1 of 1,613,214 alleles (0.000062%); highest among the groups gnomAD compares: Non-Finnish European, 0.000085%; no homozygotes.

Submission:

Labcorp Genetics (formerly Invitae), Labcorp
Classification: Likely pathogenic. Last evaluated: 2021-11-14. Review status: criteria provided, single submitter. Criteria: Invitae Variant Classification Sherloc (09022015). Collection method: clinical testing. Allele origin: germline.
Comment: In summary, the currently available evidence indicates that the variant is pathogenic, but additional data are needed to prove that conclusively. Therefore, this variant has been classified as Likely Pathogenic. This variant disrupts the p.Arg320 amino acid residue in KCNV2. Other variant(s) that disrupt this residue have been determined to be pathogenic (PMID: 23725738; Invitae). This suggests that this residue is clinically significant, and that variants that disrupt this residue are likely to be disease-causing. Advanced modeling of protein sequence and biophysical properties (such as structural, functional, and spatial information, amino acid conservation, physicochemical variation, residue mobility, and thermodynamic stability) performed at Invitae indicates that this missense variant is expected to disrupt KCNV2 protein function. This variant has not been reported in the literature in individuals affected with KCNV2-related conditions. This variant is not present in population databases (gnomAD no frequency). This sequence change replaces arginine, which is basic and polar, with histidine, which is basic and polar, at codon 320 of the KCNV2 protein (p.Arg320His).

Literature cited by the submitters: PubMed 23725738.